The following is an entry in ClinVar:

ClinVar aggregate classification (germline): Uncertain significance. Review status: criteria provided, multiple submitters, no conflicts (2 of 4 stars). 4 submissions from 4 submitters: Uncertain significance (4). Last evaluated 2022-07-12.

Conditions:
Deficiency of ferroxidase (ACEP). Also called: Aceruloplasminemia; Deficiency of ceruloplasmin; NEURODEGENERATION WITH BRAIN IRON ACCUMULATION 10; Ceruloplasmin deficiency; Familial apoceruloplasmin deficiency; Hereditary ceruloplasmin deficiency. Identifiers: Orphanet 48818, MedGen C0878682, MONDO:0011426, OMIM 604290, HP:0025498.
Inborn genetic diseases. Identifiers: MedGen C0950123, MeSH D030342.

Allele frequency attached by ClinVar (database versions not stated): TOPMed 0.00005.
gnomAD v4.1: 120 of 1,612,646 alleles (0.0074%); highest among the groups gnomAD compares: Non-Finnish European, 0.0099%; no homozygotes.

Submissions (4):

Labcorp Genetics (formerly Invitae), Labcorp
Classification: Uncertain significance for Deficiency of ferroxidase. Last evaluated: 2022-07-12. Review status: criteria provided, single submitter. Criteria: Invitae Variant Classification Sherloc (09022015). Collection method: clinical testing. Allele origin: germline.
Comment: This sequence change replaces leucine, which is neutral and non-polar, with valine, which is neutral and non-polar, at codon 592 of the CP protein (p.Leu592Val). This variant is present in population databases (rs200226362, gnomAD 0.003%). This variant has not been reported in the literature in individuals affected with CP-related conditions. ClinVar contains an entry for this variant (Variation ID: 343764). Advanced modeling of protein sequence and biophysical properties (such as structural, functional, and spatial information, amino acid conservation, physicochemical variation, residue mobility, and thermodynamic stability) performed at Invitae indicates that this missense variant is expected to disrupt CP protein function. In summary, the available evidence is currently insufficient to determine the role of this variant in disease. Therefore, it has been classified as a Variant of Uncertain Significance.

Ambry Genetics
Classification: Uncertain significance for Inborn genetic diseases. Last evaluated: 2021-07-15. Review status: criteria provided, single submitter. Criteria: Ambry Variant Classification Scheme 2023. Collection method: clinical testing. Allele origin: germline.

CeGaT Center for Human Genetics Tuebingen
Classification: Uncertain significance. Last evaluated: 2019-07-01. Review status: criteria provided, single submitter. Criteria: CeGaT Center For Human Genetics Tuebingen Variant Classification Criteria Version 2. Collection method: clinical testing. Allele origin: germline. Affected: yes. Observed: 1 variant allele.

Illumina Laboratory Services, Illumina
Classification: Uncertain significance for Deficiency of ferroxidase. Last evaluated: 2018-01-12. Review status: criteria provided, single submitter. Criteria: ICSL Variant Classification Criteria 13 December 2019. Collection method: clinical testing. Allele origin: germline.

NM_000096.4(CP):c.1774C>G (p.Leu592Val)

Gene: CP (ceruloplasmin; minus strand). Cytogenetic location: 3q24.
Variant type: single nucleotide variant.
Coding change: c.1774C>G on transcript NM_000096.4 (MANE Select); coding-DNA position 1774, C replaced by G.
Protein change: p.Leu592Val; replaces leucine 592 with valine.
Molecular consequence: missense variant. On other transcripts: non-coding transcript variant (1).
Genome position (GRCh38, 1-based): chr3:149,188,142, G>C on the plus strand (C>G on the coding strand, the complement: CP is on the minus strand). VCF-style: chr3-149188142-G-C. GRCh37 (hg19) VCF-style: chr3-148905929-G-C.
Other names: short protein forms L592V.
Identifiers: ClinVar variation 343764 (VCV000343764.49), dbSNP rs200226362, ClinGen allele CA2660924.
Genomic context (GRCh38, chr3:149,188,142, plus strand): 5'-CATCTTCCTTATCCACCTGATCAGGTGCAGTTGTAAACATTCTAATATTATCTTCCAGGA[G>C]TAAACTCTCATTCTCATCAAATACTGTAGGAAACAAATAGAATTCCTTGTCTACATCTTT-3'
Protein context (NP_000087.2, residues 582-602): PTVFDENESL[Leu592Val]LEDNIRMFTT